The following is an entry in ClinVar:

NM_006030.4(CACNA2D2):c.2470A>G (p.Ser824Gly)

Genes: CACNA2D2 (calcium voltage-gated channel auxiliary subunit alpha2delta 2; minus strand), LOC101928965 (uncharacterized LOC101928965; plus strand), LOC127898564 (CYB561D2-LOC101928965; plus strand). Cytogenetic location: 3p21.31.
Variant type: single nucleotide variant.
Coding change: c.2470A>G on transcript NM_006030.4 (MANE Select); coding-DNA position 2470, A replaced by G.
Protein change: p.Ser824Gly; replaces serine 824 with glycine.
Molecular consequence: missense variant.
Genome position (GRCh38, 1-based): chr3:50,367,041, T>C on the plus strand (A>G on the coding strand, the complement: CACNA2D2 is on the minus strand). VCF-style: chr3-50367041-T-C. GRCh37 (hg19) VCF-style: chr3-50404472-T-C.
Other names: c.2491A>G (NM_001174051.1); c.2470A>G, p.Ser824Gly (NM_001005505.3); c.2491A>G, p.Ser831Gly (NM_001174051.3); c.2263A>G, p.Ser755Gly (NM_001291101.1); short protein forms S755G, S831G, S824G.
Identifiers: ClinVar variation 1413236 (VCV001413236.10), dbSNP rs1001681732, ClinGen allele CA74607715.
Genomic context (GRCh38, chr3:50,367,041, plus strand): 5'-TGTTTCCCCACCTCTGTCCCAAACATTCACCTGCTGGCCTCAGTGTGCGCCTGCCTAGGC[T>C]GAGCTCCACAGCTGTGCTGACGAGGATGCCCACAGTGTCATTCTCCAGCTCCAGCGGCCT-3'
Protein context (NP_006021.2, residues 814-834): GILVSTAVEL[Ser824Gly]LGRRTLRPAV

ClinVar aggregate classification (germline): Uncertain significance. Review status: criteria provided, multiple submitters, no conflicts (2 of 4 stars). 2 submissions from 2 submitters: Uncertain significance (2). Last evaluated 2025-11-05.

Conditions:
Inborn genetic diseases. Identifiers: MedGen C0950123, MeSH D030342.
Early-infantile DEE. Also called: Early infantile epileptic encephalopathy; Ohtahara syndrome; Early infantile epileptic encephalopathy with suppression bursts. Identifiers: Orphanet 1934, MedGen C0393706, MONDO:0800491.

Allele frequency attached by ClinVar (database versions not stated): gnomAD exomes below 0.00001; gnomAD 0.00001; TOPMed 0.00002.
gnomAD v4.1: 5 of 1,613,612 alleles (0.00031%); highest among the groups gnomAD compares: African/African-American, 0.0053%; no homozygotes.

Submissions (2):

Ambry Genetics
Classification: Uncertain significance for Inborn genetic diseases. Last evaluated: 2025-11-05. Review status: criteria provided, single submitter. Criteria: Ambry Variant Classification Scheme 2023. Collection method: clinical testing. Allele origin: germline.

Labcorp Genetics (formerly Invitae), Labcorp
Classification: Uncertain significance for Early-infantile DEE. Last evaluated: 2022-10-14. Review status: criteria provided, single submitter. Criteria: Invitae Variant Classification Sherloc (09022015). Collection method: clinical testing. Allele origin: germline.
Comment: ClinVar contains an entry for this variant (Variation ID: 1413236). In summary, the available evidence is currently insufficient to determine the role of this variant in disease. Therefore, it has been classified as a Variant of Uncertain Significance. Algorithms developed to predict the effect of missense changes on protein structure and function are either unavailable or do not agree on the potential impact of this missense change (SIFT: "Deleterious"; PolyPhen-2: "Benign"; Align-GVGD: "Class C0"). This variant has not been reported in the literature in individuals affected with CACNA2D2-related conditions. This variant is not present in population databases (gnomAD no frequency). This sequence change replaces serine, which is neutral and polar, with glycine, which is neutral and non-polar, at codon 824 of the CACNA2D2 protein (p.Ser824Gly).